The following is an entry in ClinVar:

NM_000059.4(BRCA2):c.8330A>G (p.Lys2777Arg)

Gene: BRCA2 (BRCA2 DNA repair associated; plus strand). Cytogenetic location: 13q13.1.
Variant type: single nucleotide variant.
Coding change: c.8330A>G on transcript NM_000059.4 (MANE Select); coding-DNA position 8330, A replaced by G.
Protein change: p.Lys2777Arg; replaces lysine 2777 with arginine.
Molecular consequence: missense variant. On other transcripts: non-coding transcript variant (1).
Genome position (GRCh38, 1-based): chr13:32,363,532, A>G. VCF-style: chr13-32363532-A-G. GRCh37 (hg19) VCF-style: chr13-32937669-A-G.
Other names: c.8234A>G, p.Lys2745Arg (NM_001406719.1); c.8330A>G, p.Lys2777Arg (NM_001406720.1); c.3398A>G, p.Lys1133Arg (NM_001406721.1); c.1913A>G, p.Lys638Arg (NM_001406722.1); short protein forms K1133R, K2777R, K2745R, K638R.
Identifiers: ClinVar variation 2915484 (VCV002915484.3), dbSNP rs2137583078, ClinGen allele CA387750303.

ClinVar aggregate classification (germline): Uncertain significance (1 of 4 stars; one submission).

Conditions:
Hereditary breast ovarian cancer syndrome. Also called: BRCA1- and BRCA2-Associated Hereditary Breast and Ovarian Cancer; Hereditary breast and ovarian cancer; Hereditary breast and ovarian cancer syndrome (HBOC); Hereditary breast and/or ovarian cancer syndrome; Hereditary breast and ovarian cancer syndrome; Breast and ovarian cancer. Identifiers: Orphanet 145, MedGen C0677776, MeSH D061325, MONDO:0003582. Disease mechanism: loss of function.

Submission:

Labcorp Genetics (formerly Invitae), Labcorp
Classification: Uncertain significance for Hereditary breast ovarian cancer syndrome. Last evaluated: 2023-08-16. Review status: criteria provided, single submitter. Criteria: Invitae Variant Classification Sherloc (09022015). Collection method: clinical testing. Allele origin: germline.
Comment: In summary, the available evidence is currently insufficient to determine the role of this variant in disease. Therefore, it has been classified as a Variant of Uncertain Significance. Algorithms developed to predict the effect of sequence changes on RNA splicing suggest that this variant may disrupt the consensus splice site. An algorithm developed to predict the effect of missense changes on protein structure and function (PolyPhen-2) suggests that this variant is likely to be disruptive. This variant has not been reported in the literature in individuals affected with BRCA2-related conditions. This variant is not present in population databases (gnomAD no frequency). This sequence change replaces lysine, which is basic and polar, with arginine, which is basic and polar, at codon 2777 of the BRCA2 protein (p.Lys2777Arg).